The following is an entry in ClinVar:

ClinVar aggregate classification (germline): Pathogenic/Likely pathogenic. Review status: criteria provided, multiple submitters, no conflicts (2 of 4 stars). 3 submissions from 3 submitters: Pathogenic (2); Likely pathogenic (1). Last evaluated 2025-05-30.

Conditions:
Dilated cardiomyopathy 1G (CMD1G). Identifiers: Orphanet 154, MedGen C1858763, MONDO:0011400, OMIM 604145.
Autosomal recessive limb-girdle muscular dystrophy type 2J (LGMDR10). Also called: Limb-girdle muscular dystrophy, type 2J; MUSCULAR DYSTROPHY, LIMB-GIRDLE, AUTOSOMAL RECESSIVE 10. Identifiers: Orphanet 140922, MedGen C1837342, MONDO:0012127, OMIM 608807.
Cardiovascular phenotype. Identifiers: MedGen CN230736.

Submissions (3):

Ambry Genetics
Classification: Pathogenic for Cardiovascular phenotype. Last evaluated: 2025-05-30. Review status: criteria provided, single submitter. Criteria: Ambry Variant Classification Scheme 2023. Collection method: clinical testing. Allele origin: germline.
Comment: The p.Q9688* pathogenic mutation (also known as c.29062C>T), located in coding exon 116 of the TTN gene, results from a C to T substitution at nucleotide position 29062. This changes the amino acid from a glutamine to a stop codon within coding exon 116. This exon is located in the A-band region of the N2-B isoform of the titin protein and is constitutively expressed in TTN transcripts (percent spliced in or PSI 100%). This variant was reported in individual(s) with features consistent with dilated cardiomyopathy (DCM) (Xiao L et al. Front Cardiovasc Med, 2021 Apr;8:657689; Ambry internal data). This variant is considered to be rare based on population cohorts in the Genome Aggregation Database (gnomAD). This variant is expected to result in loss of function by premature protein truncation or nonsense-mediated mRNA decay. While truncating variants in TTN are present in 1-3% of the general population, truncating variants in the A-band are the most common cause of dilated cardiomyopathy (Herman DS et al. N. Engl. J. Med., 2012 Feb;366:619-28; Roberts AM et al. Sci Transl Med, 2015 Jan;7:270ra6). TTN truncating variants encoded in constitutive exons (PSI >90%) have been found to be significantly associated with DCM regardless of their position in titin (Schafer S et al. Nat. Genet., 2017 01;49:46-53; Akhtar MM et al. Circ Heart Fail, 2020 Oct;13:e006832; Massier M et al. Clin Genet, 2025 Jan). Based on the supporting evidence, this variant is interpreted as a disease-causing mutation.

Labcorp Genetics (formerly Invitae), Labcorp
Classification: Likely pathogenic for Dilated cardiomyopathy 1G; Autosomal recessive limb-girdle muscular dystrophy type 2J. Last evaluated: 2024-02-01. Review status: criteria provided, single submitter. Criteria: Invitae Variant Classification Sherloc (09022015). Collection method: clinical testing. Allele origin: germline.
Comment: This sequence change creates a premature translational stop signal (p.Gln18753*) in the TTN gene. While this is not anticipated to result in nonsense mediated decay, it is expected to create a truncated TTN protein. This variant is not present in population databases (gnomAD no frequency). This variant has not been reported in the literature in individuals affected with TTN-related conditions. ClinVar contains an entry for this variant (Variation ID: 567729). Algorithms developed to predict the effect of sequence changes on RNA splicing suggest that this variant may disrupt the consensus splice site. This variant is located in the A band of TTN (PMID: 25589632). Truncating variants in this region are significantly overrepresented in patients affected with dilated cardiomyopathy (PMID: 25589632). Truncating variants in this region have also been reported in individuals affected with autosomal recessive centronuclear myopathy (PMID: 23975875). In summary, the currently available evidence indicates that the variant is pathogenic, but additional data are needed to prove that conclusively. Therefore, this variant has been classified as Likely Pathogenic.

CeGaT Center for Human Genetics Tuebingen
Classification: Pathogenic. Last evaluated: 2023-10-01. Review status: criteria provided, single submitter. Criteria: CeGaT Center For Human Genetics Tuebingen Variant Classification Criteria Version 2. Collection method: clinical testing. Allele origin: germline. Affected: yes. Observed: 1 variant allele.
Comment: TTN: PVS1, PM2

Literature cited by the submitters: PubMed 33996946 (cited by Ambry Genetics); PubMed 25589632 (cited by Labcorp Genetics (formerly Invitae), Labcorp); PubMed 23975875 (cited by Labcorp Genetics (formerly Invitae), Labcorp).

NM_001267550.2(TTN):c.56257C>T (p.Gln18753Ter)

Genes: TTN (titin; minus strand), TTN-AS1 (TTN antisense RNA 1; plus strand). Cytogenetic location: 2q31.2.
Variant type: single nucleotide variant.
Coding change: c.56257C>T on transcript NM_001267550.2 (MANE Select); coding-DNA position 56257, C replaced by T.
Protein change: p.Gln18753Ter; replaces glutamine 18753 with a stop codon.
Molecular consequence: nonsense. On other transcripts: non-coding transcript variant (1).
Genome position (GRCh38, 1-based): chr2:178,599,644, G>A on the plus strand (C>T on the coding strand, the complement: TTN is on the minus strand). VCF-style: chr2-178599644-G-A. GRCh37 (hg19) VCF-style: chr2-179464371-G-A.
Other names: c.51334C>T, p.Gln17112Ter (NM_001256850.1); c.29062C>T, p.Gln9688Ter (NM_003319.4); c.48553C>T, p.Gln16185Ter (NM_133378.4); c.29437C>T, p.Gln9813Ter (NM_133432.3); c.29638C>T, p.Gln9880Ter (NM_133437.4); short protein forms Q18753*, Q9688*, Q9813*, Q9880*, Q16185*, Q17112*.
Identifiers: ClinVar variation 567729 (VCV000567729.33), dbSNP rs1559669986, ClinGen allele CA349533663.